The following is an entry in ClinVar:

NM_001055.4(SULT1A1):c.300G>A (p.Pro100=)

Gene: SULT1A1 (sulfotransferase family 1A member 1; minus strand). Cytogenetic location: 16p11.2.
Variant type: single nucleotide variant.
Coding change: c.300G>A on transcript NM_001055.4 (MANE Select); coding-DNA position 300, G replaced by A.
Protein change: p.Pro100=; no amino-acid change (proline 100 retained).
Molecular consequence: synonymous variant. On other transcripts: intron variant (1).
Genome position (GRCh38, 1-based): chr16:28,608,363, C>T on the plus strand (G>A on the coding strand, the complement: SULT1A1 is on the minus strand). VCF-style: chr16-28608363-C-T. GRCh37 (hg19) VCF-style: chr16-28619684-C-T.
Other names: c.300G>A, p.Pro100= (NM_001394421.1, NM_001394422.1, NM_001394423.1 and 5 more transcripts); c.70-1286G>A (NM_177536.5).
Identifiers: ClinVar variation 2646351 (VCV002646351.24), dbSNP rs1041986, ClinGen allele CA7983369.

ClinVar aggregate classification (germline): Likely benign (1 of 4 stars; one submission).

Allele frequency attached by ClinVar (database versions not stated): 1000 Genomes Project 30x 0.00016; 1000 Genomes Project 0.00020; ExAC 0.00024; ESP Exome Variant Server 0.00046; gnomAD 0.00050.
gnomAD v4.1: 864 of 1,612,176 alleles (0.054%); highest among the groups gnomAD compares: Non-Finnish European, 0.064%; 25 homozygotes.

Submission:

CeGaT Center for Human Genetics Tuebingen
Classification: Likely benign. Last evaluated: 2023-04-01. Review status: criteria provided, single submitter. Criteria: CeGaT Center For Human Genetics Tuebingen Variant Classification Criteria Version 2. Collection method: clinical testing. Allele origin: germline. Affected: yes. Observed: 1 variant allele.
Comment: SULT1A1: BP4, BP7